The following is an entry in ClinVar:

ClinVar aggregate classification (germline): Uncertain significance. Review status: criteria provided, single submitter (1 of 4 stars). 2 submissions from 2 submitters: Uncertain significance (1). 1 of the submissions does not count toward it. Last evaluated 2026-08-03.

Conditions:
Xeroderma pigmentosum, group C (XPC). Also called: XPC-Related Xeroderma Pigmentosum; XERODERMA PIGMENTOSUM III; XP, GROUP C; Xeroderma pigmentosum, complementation group C. Identifiers: Orphanet 910, MedGen C2752147, MONDO:0010211, OMIM 278720.

Allele frequency attached by ClinVar (database versions not stated): TOPMed below 0.00001.

Submissions (2):

Myriad Genetics, Inc.
Classification: Uncertain significance for Xeroderma pigmentosum, group C. Last evaluated: 2026-08-03. Review status: criteria provided, single submitter. Criteria: Myriad Autosomal Dominant, Autosomal Recessive and X-Linked Classification Criteria (2023). Collection method: clinical testing. Allele origin: unknown.
Comment: NM_004628.4(XPC):c.2605-2A>T is a variant in a canonical splice site classified as a variant of uncertain significance in the context of xeroderma pigmentosum group C. c.2605-2A>T has not been observed in cases with relevant disease. Relevant functional assessments of this variant are not available in the literature. c.2605-2A>T has not been observed in referenced population frequency databases. In summary, there is insufficient evidence to classify NM_004628.4(XPC):c.2605-2A>T as pathogenic or benign. Please note: this variant was assessed in the context of healthy population screening.

Counsyl
Classification: Uncertain significance for Xeroderma pigmentosum, group C. Last evaluated: 2017-12-29. Review status: no assertion criteria provided. Collection method: clinical testing. Allele origin: unknown. Not counted in ClinVar's aggregate classification.

NM_004628.5(XPC):c.2605-2A>T

Gene: XPC (XPC complex subunit, DNA damage recognition and repair factor; minus strand). Cytogenetic location: 3p25.1.
Variant type: single nucleotide variant.
Coding change: c.2605-2A>T on transcript NM_004628.5 (MANE Select); the canonical splice acceptor site of the intron before coding-DNA position 2605, A replaced by T.
Molecular consequence: splice acceptor variant.
Genome position (GRCh38, 1-based): chr3:14,146,161, T>A on the plus strand (A>T on the coding strand, the complement: XPC is on the minus strand). VCF-style: chr3-14146161-T-A. GRCh37 (hg19) VCF-style: chr3-14187661-T-A.
Other names: c.2587-2A>T (NM_001354729.2); c.2026-2A>T (NM_001354726.2); c.2359-2A>T (NM_001354730.2); c.2599-2A>T (NM_001354727.2).
Identifiers: ClinVar variation 550023 (VCV000550023.3), dbSNP rs1553604251, ClinGen allele CA351537212.